The following is an entry in ClinVar:

ClinVar aggregate classification (germline): Likely benign (1 of 4 stars; one submission).

Conditions:
SEMA3F-related disorder. Also called: SEMA3F-related condition.

gnomAD v4.1: 2 of 1,613,620 alleles (0.00012%); highest among the groups gnomAD compares: East Asian, 0.0022%; no homozygotes.

Submission:

PreventionGenetics, part of Exact Sciences
Classification: Likely benign for SEMA3F-related condition. Last evaluated: 2025-09-25. Review status: criteria provided, single submitter. Criteria: ACMG Guidelines, 2015. Collection method: clinical testing. Allele origin: germline.
Comment: This variant is classified as likely benign based on ACMG/AMP sequence variant interpretation guidelines (Richards et al. 2015 PMID: 25741868, with internal and published modifications).

NM_004186.5(SEMA3F):c.1019-5C>T

Gene: SEMA3F (semaphorin 3F; plus strand). Cytogenetic location: 3p21.31.
Variant type: single nucleotide variant.
Coding change: c.1019-5C>T on transcript NM_004186.5 (MANE Select); 5 bases into the intron before coding-DNA position 1019, C replaced by T.
Molecular consequence: intron variant.
Genome position (GRCh38, 1-based): chr3:50,183,181, C>T. VCF-style: chr3-50183181-C-T. GRCh37 (hg19) VCF-style: chr3-50220614-C-T.
Other names: c.722-5C>T (NM_001318798.2); c.926-5C>T (NM_001318800.2).
Identifiers: ClinVar variation 4986367 (VCV004986367.1).